The following is an entry in ClinVar:

ClinVar aggregate classification (germline): Likely benign. Review status: criteria provided, multiple submitters, no conflicts (2 of 4 stars). 2 submissions from 2 submitters: Likely benign (2). Last evaluated 2025-11-03.

Conditions:
HYPERHOMOCYSTEINEMIA, THROMBOTIC, CBS-RELATED. Identifiers: MedGen C3150344, OMIM 236200.

Allele frequency attached by ClinVar (database versions not stated): gnomAD exomes below 0.00001.

Submissions (2):

Labcorp Genetics (formerly Invitae), Labcorp
Classification: Likely benign for HYPERHOMOCYSTEINEMIA, THROMBOTIC, CBS-RELATED. Last evaluated: 2025-11-03. Review status: criteria provided, single submitter. Criteria: Invitae Variant Classification Sherloc (09022015). Collection method: clinical testing. Allele origin: germline.

GeneDx
Classification: Likely benign. Last evaluated: 2018-04-17. Review status: criteria provided, single submitter. Criteria: GeneDx Variant Classification (06012015). Collection method: clinical testing. Allele origin: germline. Affected: yes.
Comment: This variant is considered likely benign or benign based on one or more of the following criteria: it is a conservative change, it occurs at a poorly conserved position in the protein, it is predicted to be benign by multiple in silico algorithms, and/or has population frequency not consistent with disease.

NM_000071.3(CBS):c.669C>T (p.Tyr223=)

Gene: CBS (cystathionine beta-synthase; minus strand). Cytogenetic location: 21q22.3.
Variant type: single nucleotide variant.
Coding change: c.669C>T on transcript NM_000071.3 (MANE Select); coding-DNA position 669, C replaced by T.
Protein change: p.Tyr223=; no amino-acid change (tyrosine 223 retained).
Molecular consequence: synonymous variant.
Genome position (GRCh38, 1-based): chr21:43,065,270, G>A on the plus strand (C>T on the coding strand, the complement: CBS is on the minus strand). VCF-style: chr21-43065270-G-A. GRCh37 (hg19) VCF-style: chr21-44485380-G-A.
Other names: c.669C>T, p.Tyr223= (NM_001178008.3, NM_001178009.3, NM_001320298.2); c.354C>T, p.Tyr118= (NM_001321072.1).
Identifiers: ClinVar variation 682011 (VCV000682011.4), dbSNP rs1366764579, ClinGen allele CA749579774.